The following is an entry in ClinVar:

NM_001243177.4(ALDOA):c.774T>C (p.Tyr258=)

Genes: ALDOA (aldolase, fructose-bisphosphate A; plus strand), LOC112694756 (uncharaterized LOC112694756; plus strand). Cytogenetic location: 16p11.2.
Variant type: single nucleotide variant.
Coding change: c.774T>C on transcript NM_001243177.4 (MANE Select); coding-DNA position 774, T replaced by C.
Protein change: p.Tyr258=; no amino-acid change (tyrosine 258 retained).
Molecular consequence: synonymous variant. On other transcripts: 3 prime UTR variant (3).
Genome position (GRCh38, 1-based): chr16:30,069,377, T>C. VCF-style: chr16-30069377-T-C. GRCh37 (hg19) VCF-style: chr16-30080698-T-C.
Other names: NM_000034.3:c.612T>C; c.*1121T>C (NM_001365304.2, NM_001365305.2, NM_001365307.2); c.612T>C, p.Tyr204= (NM_001127617.2, NM_184041.5, NM_184043.2).
Identifiers: ClinVar variation 4989039 (VCV004989039.1).

ClinVar aggregate classification (germline): Likely benign (1 of 4 stars; one submission).

Conditions:
ALDOA-related disorder. Also called: ALDOA-related condition.

gnomAD v4.1: 4 of 1,614,022 alleles (0.00025%); highest among the groups gnomAD compares: African/African-American, 0.0053%; no homozygotes.

Submission:

PreventionGenetics, part of Exact Sciences
Classification: Likely benign for ALDOA-related condition. Last evaluated: 2025-05-02. Review status: criteria provided, single submitter. Criteria: ACMG Guidelines, 2015. Collection method: clinical testing. Allele origin: germline.
Comment: This variant is classified as likely benign based on ACMG/AMP sequence variant interpretation guidelines (Richards et al. 2015 PMID: 25741868, with internal and published modifications).